The following is an entry in ClinVar:

ClinVar aggregate classification (germline): Likely benign (1 of 4 stars; one submission).

Allele frequency attached by ClinVar (database versions not stated): gnomAD exomes 0.00001.
gnomAD v4.1: 6 of 1,613,798 alleles (0.00037%); highest among the groups gnomAD compares: Non-Finnish European, 0.00051%; no homozygotes.

Submission:

GeneDx
Classification: Likely benign. Last evaluated: 2016-03-02. Review status: criteria provided, single submitter. Criteria: GeneDx Variant Classification (06012015). Collection method: clinical testing. Allele origin: germline. Affected: yes.
Comment: This variant is considered likely benign or benign based on one or more of the following criteria: it is a conservative change, it occurs at a poorly conserved position in the protein, it is predicted to be benign by multiple in silico algorithms, and/or has population frequency not consistent with disease.

NM_000742.4(CHRNA2):c.1113G>T (p.Leu371=)

Gene: CHRNA2 (cholinergic receptor nicotinic alpha 2 subunit; minus strand). Cytogenetic location: 8p21.2.
Variant type: single nucleotide variant.
Coding change: c.1113G>T on transcript NM_000742.4 (MANE Select); coding-DNA position 1113, G replaced by T.
Protein change: p.Leu371=; no amino-acid change (leucine 371 retained).
Molecular consequence: synonymous variant.
Genome position (GRCh38, 1-based): chr8:27,463,330, C>A on the plus strand (G>T on the coding strand, the complement: CHRNA2 is on the minus strand). VCF-style: chr8-27463330-C-A. GRCh37 (hg19) VCF-style: chr8-27320847-C-A.
Other names: c.1068G>T, p.Leu356= (NM_001282455.2); c.636G>T, p.Leu212= (NM_001347705.2, NM_001347706.2); c.519G>T, p.Leu173= (NM_001347707.2, NM_001347708.2).
Identifiers: ClinVar variation 384032 (VCV000384032.1), dbSNP rs1057521828, ClinGen allele CA16605474.